The following is an entry in ClinVar:

NM_182961.4(SYNE1):c.22184A>G (p.Glu7395Gly)

Gene: SYNE1 (spectrin repeat containing nuclear envelope protein 1; minus strand). Cytogenetic location: 6q25.2.
Variant type: single nucleotide variant.
Coding change: c.22184A>G on transcript NM_182961.4 (MANE Select); coding-DNA position 22184, A replaced by G.
Protein change: p.Glu7395Gly; replaces glutamic acid 7395 with glycine.
Molecular consequence: missense variant.
Genome position (GRCh38, 1-based): chr6:152,218,264, T>C on the plus strand (A>G on the coding strand, the complement: SYNE1 is on the minus strand). VCF-style: chr6-152218264-T-C. GRCh37 (hg19) VCF-style: chr6-152539399-T-C.
Other names: c.21971A>G, p.Glu7324Gly (NM_033071.5); short protein forms E7324G, E7395G.
Identifiers: ClinVar variation 3571784 (VCV003571784.1).

ClinVar aggregate classification (germline): Uncertain significance (1 of 4 stars; one submission).

Submission:

Athena Diagnostics
Classification: Uncertain significance. Last evaluated: 2023-10-20. Review status: criteria provided, single submitter. Criteria: Athena Diagnostics Criteria. Collection method: clinical testing. Allele origin: unknown.
Comment: Available data are insufficient to determine the clinical significance of the variant at this time. This variant has not been reported in large, multi-ethnic general populations. Computational tools disagree on the variant's effect on normal protein function.